The following is an entry in ClinVar:

ClinVar aggregate classification (germline): Pathogenic (1 of 4 stars; one submission).

Conditions:
Cohen syndrome (COH1). Also called: PEPPER SYNDROME; Cutis verticis gyrata, retinitis pigmentosa, and sensorineural deafness. Identifiers: Orphanet 193, MedGen C0265223, MONDO:0008999, OMIM 216550.

Submission:

Labcorp Genetics (formerly Invitae), Labcorp
Classification: Pathogenic for Cohen syndrome. Last evaluated: 2023-11-20. Review status: criteria provided, single submitter. Criteria: Invitae Variant Classification Sherloc (09022015). Collection method: clinical testing. Allele origin: germline.
Comment: This variant is a gross deletion of the genomic region encompassing exon(s) 22 of the VPS13B gene. This deletion is out-of-frame, and is expected to create a premature termination codon and result in an absent or disrupted protein product. Loss-of-function variants in VPS13B are known to be pathogenic (PMID: 15141358, 16648375, 20461111). This variant has not been reported in the literature in individuals affected with VPS13B-related conditions. For these reasons, this variant has been classified as Pathogenic.

Literature cited by the submitters: PubMed 15141358; PubMed 16648375; PubMed 20461111.

NC_000008.10:g.(?_100443745)_(100443912_?)del

Gene: VPS13B (vacuolar protein sorting 13 homolog B; plus strand). Cytogenetic location: 8q22.2.
Variant type: Deletion.
Identifiers: ClinVar variation 1459660 (VCV001459660.7).